The following is an entry in ClinVar:

NC_000007.14:g.(?_45038233)_(45038446_?)del

Gene: CCM2 (CCM2 scaffold protein; plus strand). Cytogenetic location: 7p13.
Variant type: Deletion.
Identifiers: ClinVar variation 832896 (VCV000832896.8).

ClinVar aggregate classification (germline): Pathogenic (1 of 4 stars; one submission).

Conditions:
Cerebral cavernous malformation 2. Also called: Familial Cerebral Cavernous Malformation 2. Identifiers: Orphanet 221061, MedGen C1864041, MONDO:0011304, OMIM 603284.

Submission:

Labcorp Genetics (formerly Invitae), Labcorp
Classification: Pathogenic for Cerebral cavernous malformation 2. Last evaluated: 2023-10-23. Review status: criteria provided, single submitter. Criteria: Invitae Variant Classification Sherloc (09022015). Collection method: clinical testing. Allele origin: germline.
Comment: This variant is a gross deletion of the genomic region encompassing exon(s) 2 of the CCM2 gene. This variant would be expected to be in-frame, preserving the integrity of the reading frame. A similar copy number variant has been observed in individual(s) with cerebral cavernous malformations (PMID: 17160895). Algorithms developed to predict the effect of variants on protein structure and function are not available or were not evaluated for this variant. Experimental studies have shown that a similar copy number variant affects CCM2 function (PMID: 18300272). For these reasons, this variant has been classified as Pathogenic.

Literature cited by the submitters: PubMed 17160895; PubMed 18300272.